The following is an entry in ClinVar:

NM_213599.3(ANO5):c.1718T>C (p.Phe573Ser)

Gene: ANO5 (anoctamin 5; plus strand). Cytogenetic location: 11p14.3.
Variant type: single nucleotide variant.
Coding change: c.1718T>C on transcript NM_213599.3 (MANE Select); coding-DNA position 1718, T replaced by C.
Protein change: p.Phe573Ser; replaces phenylalanine 573 with serine.
Molecular consequence: missense variant.
Genome position (GRCh38, 1-based): chr11:22,262,216, T>C. VCF-style: chr11-22262216-T-C. GRCh37 (hg19) VCF-style: chr11-22283762-T-C.
Other names: c.1715T>C, p.Phe572Ser (NM_001142649.2); short protein forms F572S, F573S.
Identifiers: ClinVar variation 1051031 (VCV001051031.12), dbSNP rs2133747819, ClinGen allele CA379922667.

ClinVar aggregate classification (germline): Conflicting classifications of pathogenicity. Review status: criteria provided, conflicting classifications (1 of 4 stars). 2 submissions from 2 submitters: Likely pathogenic (1); Uncertain significance (1). Last evaluated 2025-12-20.

Conditions:
Gnathodiaphyseal dysplasia (GDD). Also called: GNATHODIAPHYSEAL SCLEROSIS; OSTEOGENESIS IMPERFECTA WITH UNUSUAL SKELETAL LESIONS. Identifiers: Orphanet 53697, MedGen C1833736, MONDO:0008151, OMIM 166260.
Autosomal recessive limb-girdle muscular dystrophy type 2L (LGMDR12). Also called: MUSCULAR DYSTROPHY, LIMB-GIRDLE, AUTOSOMAL RECESSIVE 12; Limb-girdle muscular dystrophy, type 2L; Limb-Girdle Muscular Dystrophy R12 Anoctamin-5-Related (LGMD-R12). Identifiers: Orphanet 206549, MedGen C1969785, MONDO:0012652, OMIM 611307.

Allele frequency attached by ClinVar (database versions not stated): gnomAD exomes below 0.00001.

Submissions (2):

Labcorp Genetics (formerly Invitae), Labcorp
Classification: Uncertain significance for Autosomal recessive limb-girdle muscular dystrophy type 2L; Gnathodiaphyseal dysplasia. Last evaluated: 2025-12-20. Review status: criteria provided, single submitter. Criteria: Invitae Variant Classification Sherloc (09022015). Collection method: clinical testing. Allele origin: germline.
Comment: This sequence change replaces phenylalanine, which is neutral and non-polar, with serine, which is neutral and polar, at codon 573 of the ANO5 protein (p.Phe573Ser). This variant is not present in population databases (gnomAD no frequency). This variant has not been reported in the literature in individuals affected with ANO5-related conditions. ClinVar contains an entry for this variant (Variation ID: 1051031). Invitae Evidence Modeling of protein sequence and biophysical properties (such as structural, functional, and spatial information, amino acid conservation, physicochemical variation, residue mobility, and thermodynamic stability) indicates that this missense variant is expected to disrupt ANO5 protein function with a positive predictive value of 95%. In summary, the available evidence is currently insufficient to determine the role of this variant in disease. Therefore, it has been classified as a Variant of Uncertain Significance.

Clinical Genetics Service, Universitary Hospital 12 de Octubre
Classification: Likely pathogenic for Autosomal recessive limb-girdle muscular dystrophy type 2L. Review status: criteria provided, single submitter. Criteria: ACMG Guidelines, 2015. Collection method: clinical testing. Allele origin: germline. Affected: yes.